The following is an entry in ClinVar:

NM_001079872.2(CUL4B):c.1325-3C>T

Gene: CUL4B (cullin 4B; minus strand). Cytogenetic location: Xq24.
Variant type: single nucleotide variant.
Coding change: c.1325-3C>T on transcript NM_001079872.2 (MANE Select); 3 bases into the intron before coding-DNA position 1325, C replaced by T.
Molecular consequence: intron variant.
Genome position (GRCh38, 1-based): chrX:120,541,723, G>A on the plus strand (C>T on the coding strand, the complement: CUL4B is on the minus strand). VCF-style: chrX-120541723-G-A. GRCh37 (hg19) VCF-style: chrX-119675578-G-A.
Other names: c.1379-3C>T (NM_003588.4); c.1340-3C>T (NM_001330624.2); c.791-3C>T (NM_001369145.1).
Identifiers: ClinVar variation 589335 (VCV000589335.5), dbSNP rs1569390239, ClinGen allele CA891843765.
Genomic context (GRCh38, chrX:120,541,723, plus strand): 5'-AGCTGATACAGAAGAGACAAATCTTGAATTCGGTTTTCATCAAGGAGGTTATTTAAACCT[G>A]TATTTTAAAACATTTTGGCATTAAAATATAGTGAACAAAAAAGTGAACAAGATTATCAGA-3'

ClinVar aggregate classification (germline): Uncertain significance (1 of 4 stars; one submission).

Conditions:
Inborn genetic diseases. Identifiers: MedGen C0950123, MeSH D030342.

Submission:

Ambry Genetics
Classification: Uncertain significance for Inborn genetic diseases. Last evaluated: 2016-07-18. Review status: criteria provided, single submitter. Criteria: Ambry Variant Classification Scheme 2023. Collection method: clinical testing. Allele origin: germline.
Comment: The c.1379-3C>T intronic variant results from a C to T substitution 3 nucleotides upstream from coding exon 11 in the CUL4B gene. This variant was not reported in population based cohorts in the following databases: Database of Single Nucleotide Polymorphisms (dbSNP), NHLBI Exome Sequencing Project (ESP), and 1000 Genomes Project. In the ESP, this variant was not observed in 6503 samples with coverage at this position. This nucleotide position is well conserved in available vertebrate species. Using the BDGP and ESEfinder splice site prediction tools, this alteration is not predicted to have any significant effect on this splice acceptor site; however, direct evidence is unavailable. Since supporting evidence is limited at this time, the clinical significance of this alteration remains unclear.